The following is an entry in ClinVar:

NM_000717.5(CA4):c.374G>T (p.Gly125Val)

Gene: CA4 (carbonic anhydrase 4; plus strand). Cytogenetic location: 17q23.1.
Variant type: single nucleotide variant.
Coding change: c.374G>T on transcript NM_000717.5 (MANE Select); coding-DNA position 374, G replaced by T.
Protein change: p.Gly125Val; replaces glycine 125 with valine.
Molecular consequence: missense variant. On other transcripts: non-coding transcript variant (1).
Genome position (GRCh38, 1-based): chr17:60,157,532, G>T. VCF-style: chr17-60157532-G-T. GRCh37 (hg19) VCF-style: chr17-58234893-G-T.
Other names: short protein forms G125V.
Identifiers: ClinVar variation 4781197 (VCV004781197.1).

ClinVar aggregate classification (germline): Uncertain significance (1 of 4 stars; one submission).

Submission:

Labcorp Genetics (formerly Invitae), Labcorp
Classification: Uncertain significance. Last evaluated: 2025-06-06. Review status: criteria provided, single submitter. Criteria: Invitae Variant Classification Sherloc (09022015). Collection method: clinical testing. Allele origin: germline.
Comment: This sequence change replaces glycine, which is neutral and non-polar, with valine, which is neutral and non-polar, at codon 125 of the CA4 protein (p.Gly125Val). This variant is not present in population databases (gnomAD no frequency). This variant has not been reported in the literature in individuals affected with CA4-related conditions. Invitae Evidence Modeling of protein sequence and biophysical properties (such as structural, functional, and spatial information, amino acid conservation, physicochemical variation, residue mobility, and thermodynamic stability) indicates that this missense variant is expected to disrupt CA4 protein function with a positive predictive value of 80%. In summary, the available evidence is currently insufficient to determine the role of this variant in disease. Therefore, it has been classified as a Variant of Uncertain Significance.